The following is an entry in ClinVar:

ClinVar aggregate classification (germline): Uncertain significance. Review status: criteria provided, multiple submitters, no conflicts (2 of 4 stars). 3 submissions from 3 submitters: Uncertain significance (3). Last evaluated 2025-11-03.

Conditions:
Familial cancer of breast. Also called: BREAST CANCER, FAMILIAL; Hereditary breast cancer; hereditary breast carcinoma. Identifiers: Orphanet 227535, MedGen C0346153, MONDO:0016419, OMIM 114480. Disease mechanism: loss of function.
Hereditary cancer-predisposing syndrome. Also called: Neoplastic Syndromes, Hereditary; Tumor predisposition; Hereditary neoplastic syndrome; Hereditary Cancer Syndrome. Identifiers: Orphanet 140162, MedGen C0027672, MeSH D009386, MONDO:0015356.

Submissions (3):

Labcorp Genetics (formerly Invitae), Labcorp
Classification: Uncertain significance for Familial cancer of breast. Last evaluated: 2025-11-03. Review status: criteria provided, single submitter. Criteria: Invitae Variant Classification Sherloc (09022015). Collection method: clinical testing. Allele origin: germline.
Comment: This sequence change replaces glutamine, which is neutral and polar, with histidine, which is basic and polar, at codon 1157 of the PALB2 protein (p.Gln1157His). This variant is not present in population databases (gnomAD no frequency). This variant has not been reported in the literature in individuals affected with PALB2-related conditions. ClinVar contains an entry for this variant (Variation ID: 823812). An algorithm developed to predict the effect of missense changes on protein structure and function (PolyPhen-2) suggests that this variant is likely to be disruptive. In summary, the available evidence is currently insufficient to determine the role of this variant in disease. Therefore, it has been classified as a Variant of Uncertain Significance.

Color Diagnostics, LLC DBA Color Health
Classification: Uncertain significance for Hereditary cancer-predisposing syndrome. Last evaluated: 2024-11-17. Review status: criteria provided, single submitter. Criteria: ACMG Guidelines, 2015. Collection method: clinical testing. Allele origin: germline.
Comment: This missense variant replaces glutamine with histidine at codon 1157 of the PALB2 protein. Computational prediction suggests that this variant may not impact protein structure and function (internally defined REVEL score threshold <= 0.5, PMID: 27666373). To our knowledge, functional studies have not been reported for this variant. This variant has not been reported in individuals affected with PALB2-related disorders in the literature. This variant has not been identified in the general population by the Genome Aggregation Database (gnomAD). The available evidence is insufficient to determine the role of this variant in disease conclusively. Therefore, this variant is classified as a Variant of Uncertain Significance.

Ambry Genetics
Classification: Uncertain significance for Hereditary cancer-predisposing syndrome. Last evaluated: 2018-09-14. Review status: criteria provided, single submitter. Criteria: Ambry Variant Classification Scheme 2023. Collection method: clinical testing. Allele origin: germline.
Comment: The p.Q1157H variant (also known as c.3471A>C), located in coding exon 13 of the PALB2 gene, results from an A to C substitution at nucleotide position 3471. The glutamine at codon 1157 is replaced by histidine, an amino acid with highly similar properties. This amino acid position is well conserved in available vertebrate species. In addition, this alteration is predicted to be tolerated by in silico analysis. Since supporting evidence is limited at this time, the clinical significance of this alteration remains unclear.

NM_024675.4(PALB2):c.3471A>C (p.Gln1157His)

Gene: PALB2 (partner and localizer of BRCA2; minus strand). Cytogenetic location: 16p12.2.
Variant type: single nucleotide variant.
Coding change: c.3471A>C on transcript NM_024675.4 (MANE Select); coding-DNA position 3471, A replaced by C.
Protein change: p.Gln1157His; replaces glutamine 1157 with histidine.
Molecular consequence: missense variant.
Genome position (GRCh38, 1-based): chr16:23,603,549, T>G on the plus strand (A>C on the coding strand, the complement: PALB2 is on the minus strand). VCF-style: chr16-23603549-T-G. GRCh37 (hg19) VCF-style: chr16-23614870-T-G.
Other names: short protein forms Q1157H.
Identifiers: ClinVar variation 823812 (VCV000823812.16), dbSNP rs876659978, ClinGen allele CA395138021.